The following is an entry in ClinVar:

NM_001378454.1(ALMS1):c.1773C>T (p.Asp591=)

Gene: ALMS1 (ALMS1 centrosome and basal body associated protein; plus strand). Cytogenetic location: 2p13.1.
Variant type: single nucleotide variant.
Coding change: c.1773C>T on transcript NM_001378454.1 (MANE Select); coding-DNA position 1773, C replaced by T.
Protein change: p.Asp591=; no amino-acid change (aspartic acid 591 retained).
Molecular consequence: synonymous variant.
Genome position (GRCh38, 1-based): chr2:73,448,300, C>T. VCF-style: chr2-73448300-C-T. GRCh37 (hg19) VCF-style: chr2-73675427-C-T.
Other names: c.1776C>T, p.Asp592= (NM_015120.4).
Identifiers: ClinVar variation 670011 (VCV000670011.19), dbSNP rs369744185, ClinGen allele CA1713224.

ClinVar aggregate classification (germline): Likely benign. Review status: criteria provided, multiple submitters, no conflicts (2 of 4 stars). 4 submissions from 4 submitters: Likely benign (3). 1 of the submissions does not count toward it. Last evaluated 2026-01-05.

Conditions:
Cardiovascular phenotype. Identifiers: MedGen CN230736.
Alstrom syndrome (ALMS). Identifiers: Orphanet 64, MedGen C0268425, MONDO:0008763, OMIM 203800.

Allele frequency attached by ClinVar (database versions not stated): TOPMed 0.00001; gnomAD 0.00003; gnomAD exomes 0.00004 and 0.00008; ExAC 0.00007; ESP Exome Variant Server 0.00008.
gnomAD v4.1: 122 of 1,613,886 alleles (0.0076%); highest among the groups gnomAD compares: East Asian, 0.045%; no homozygotes.

Submissions (4):

Labcorp Genetics (formerly Invitae), Labcorp
Classification: Likely benign for Alstrom syndrome. Last evaluated: 2026-01-05. Review status: criteria provided, single submitter. Criteria: Invitae Variant Classification Sherloc (09022015). Collection method: clinical testing. Allele origin: germline.

Ambry Genetics
Classification: Likely benign for Cardiovascular phenotype. Last evaluated: 2019-11-28. Review status: criteria provided, single submitter. Criteria: Ambry Variant Classification Scheme 2023. Collection method: clinical testing. Allele origin: germline.

GeneDx
Classification: Likely benign. Last evaluated: 2018-06-11. Review status: criteria provided, single submitter. Criteria: GeneDx Variant Classification (06012015). Collection method: clinical testing. Allele origin: germline. Affected: yes.
Comment: This variant is considered likely benign or benign based on one or more of the following criteria: it is a conservative change, it occurs at a poorly conserved position in the protein, it is predicted to be benign by multiple in silico algorithms, and/or has population frequency not consistent with disease.

Natera, Inc.
Classification: Likely benign for Alstrom syndrome. Last evaluated: 2021-08-13. Review status: no assertion criteria provided. Collection method: clinical testing. Allele origin: germline. Not counted in ClinVar's aggregate classification.